The following is an entry in ClinVar:

ClinVar aggregate classification (germline): Uncertain significance. Review status: criteria provided, multiple submitters, no conflicts (2 of 4 stars). 2 submissions from 2 submitters: Uncertain significance (2). Last evaluated 2025-10-06.

Conditions:
IFT140-related disorder. Also called: IFT140-related condition.
Saldino-Mainzer syndrome (SRTD9). Also called: SHORT-RIB THORACIC DYSPLASIA 9 WITHOUT POLYDACTYLY; CONORENAL SYNDROME; short-rib thoracic dysplasia 9 with or without polydactyly; Renal dysplasia, retinal pigmentary dystrophy, cerebellar ataxia and skeletal dysplasia. Identifiers: Orphanet 140969, MedGen C1849437, MONDO:0009964, OMIM 266920.

Allele frequency attached by ClinVar (database versions not stated): TOPMed 0.00002.
gnomAD v4.1: 44 of 1,614,068 alleles (0.0027%); highest among the groups gnomAD compares: Non-Finnish European, 0.0036%; no homozygotes.

Submissions (2):

Labcorp Genetics (formerly Invitae), Labcorp
Classification: Uncertain significance for Saldino-Mainzer syndrome. Last evaluated: 2025-10-06. Review status: criteria provided, single submitter. Criteria: Invitae Variant Classification Sherloc (09022015). Collection method: clinical testing. Allele origin: germline.
Comment: This sequence change replaces serine, which is neutral and polar, with arginine, which is basic and polar, at codon 190 of the IFT140 protein (p.Ser190Arg). This variant is present in population databases (rs767008075, gnomAD 0.004%). This variant has not been reported in the literature in individuals affected with IFT140-related conditions. ClinVar contains an entry for this variant (Variation ID: 1044008). Invitae Evidence Modeling of protein sequence and biophysical properties (such as structural, functional, and spatial information, amino acid conservation, physicochemical variation, residue mobility, and thermodynamic stability) indicates that this missense variant is not expected to disrupt IFT140 protein function with a negative predictive value of 95%. In summary, the available evidence is currently insufficient to determine the role of this variant in disease. Therefore, it has been classified as a Variant of Uncertain Significance.

PreventionGenetics, part of Exact Sciences
Classification: Uncertain significance for IFT140-related condition. Last evaluated: 2025-05-05. Review status: criteria provided, single submitter. Criteria: ACMG Guidelines, 2015. Collection method: clinical testing. Allele origin: germline.
Comment: The IFT140 c.570T>G variant is predicted to result in the amino acid substitution p.Ser190Arg. To our knowledge, this variant has not been reported in the literature. This variant is reported in 0.0035% of alleles in individuals of European (Non-Finnish) descent in gnomAD. At this time, the clinical significance of this variant is uncertain due to the absence of conclusive functional and genetic evidence.

NM_014714.4(IFT140):c.570T>G (p.Ser190Arg)

Genes: IFT140 (intraflagellar transport 140; minus strand), LOC105371046 (uncharacterized LOC105371046; plus strand). Cytogenetic location: 16p13.3.
Variant type: single nucleotide variant.
Coding change: c.570T>G on transcript NM_014714.4 (MANE Select); coding-DNA position 570, T replaced by G.
Protein change: p.Ser190Arg; replaces serine 190 with arginine.
Molecular consequence: missense variant.
Genome position (GRCh38, 1-based): chr16:1,592,240, A>C on the plus strand (T>G on the coding strand, the complement: IFT140 is on the minus strand). VCF-style: chr16-1592240-A-C. GRCh37 (hg19) VCF-style: chr16-1642241-A-C.
Other names: c.570T>G (NM_014714.3); short protein forms S190R.
Identifiers: ClinVar variation 1044008 (VCV001044008.8), dbSNP rs767008075, ClinGen allele CA7814655.
Genomic context (GRCh38, chr16:1,592,240, plus strand): 5'-CATCAGACTGACAAAGAACAACAGCCCCTCGTGAGACCCCATCTTCAGCAAACTTCCAGA[A>C]CTGCTCTTCTTCCAGTTAAACATGTCCAGGGCTTTCTCATCACCGCTCACAGCTGCCTTT-3'
Protein context (NP_055529.2, residues 180-200): ALDMFNWKKS[Ser190Arg]SGSLLKMGSH